The following is an entry in ClinVar:

NM_001130144.3(LTBP3):c.1466A>G (p.Lys489Arg)

Gene: LTBP3 (latent transforming growth factor beta binding protein 3; minus strand). Cytogenetic location: 11q13.1.
Variant type: single nucleotide variant.
Coding change: c.1466A>G on transcript NM_001130144.3 (MANE Select); coding-DNA position 1466, A replaced by G.
Protein change: p.Lys489Arg; replaces lysine 489 with arginine.
Molecular consequence: missense variant.
Genome position (GRCh38, 1-based): chr11:65,552,037, T>C on the plus strand (A>G on the coding strand, the complement: LTBP3 is on the minus strand). VCF-style: chr11-65552037-T-C. GRCh37 (hg19) VCF-style: chr11-65319508-T-C.
Other names: c.1115A>G, p.Lys372Arg (NM_001164266.1); c.1466A>G, p.Lys489Arg (NM_021070.4); short protein forms K372R, K489R.
Identifiers: ClinVar variation 4049897 (VCV004049897.2).
Genomic context (GRCh38, chr11:65,552,037, plus strand): 5'-TCTTCCTCTGTGTCCTCAGGTGGTGGAGCCTGGCTAGGGCTCTCCGGAAGCTGCTGGGGC[T>C]TGGGTGGCCCGTCAGGGTGCAGGAAAAGGGAAAAGTCACTCTCGCCCTGAATGGTGAGCG-3'
Protein context (NP_001123616.1, residues 479-499): SLFLHPDGPP[Lys489Arg]PQQLPESPSQ

ClinVar aggregate classification (germline): Uncertain significance. Review status: criteria provided, multiple submitters, no conflicts (2 of 4 stars). 2 submissions from 2 submitters: Uncertain significance (2). Last evaluated 2026-08-06.

Conditions:
Geleophysic dysplasia 3. Identifiers: MedGen C4540511, MONDO:0054722, OMIM 617809.
Inborn genetic diseases. Identifiers: MedGen C0950123, MeSH D030342.

Submissions (2):

OLLIN Analises Genomicas, OLLIN
Classification: Uncertain significance for Geleophysic dysplasia 3. Last evaluated: 2026-08-06. Review status: criteria provided, single submitter. Criteria: ACMG Guidelines 2015 PMID 25741868. Collection method: clinical testing. Allele origin: germline.
Comment: This missense variant, located in exon 8 (of 28), is absent from gnomAD and has not been identified in the literature. However, it has been reported in ClinVar (accession VCV004049897.1). In silico analysis predicts that this variant has a tolerated effect. According to the currently available evidence, this variant has been classified as uncertain significance (PM2_P, BP4).

Ambry Genetics
Classification: Uncertain significance for Inborn genetic diseases. Last evaluated: 2025-04-09. Review status: criteria provided, single submitter. Criteria: Ambry Variant Classification Scheme 2023. Collection method: clinical testing. Allele origin: germline.